The following is an entry in ClinVar:

NM_170754.4(TNS2):c.1628G>A (p.Arg543His)

Gene: TNS2 (tensin 2; plus strand). Cytogenetic location: 12q13.13.
Variant type: single nucleotide variant.
Coding change: c.1628G>A on transcript NM_170754.4 (MANE Select); coding-DNA position 1628, G replaced by A.
Protein change: p.Arg543His; replaces arginine 543 with histidine.
Molecular consequence: missense variant.
Genome position (GRCh38, 1-based): chr12:53,059,269, G>A. VCF-style: chr12-53059269-G-A. GRCh37 (hg19) VCF-style: chr12-53453053-G-A.
Other names: c.1628G>A, p.Arg543His (NM_001416202.1); c.1586G>A, p.Arg529His (NM_001416203.1); c.1655G>A, p.Arg552His (NM_001416204.1); c.1559G>A, p.Arg520His (NM_015319.3); c.1256G>A, p.Arg419His (NM_198316.2); short protein forms R529H, R520H, R419H, R552H, R543H.
Identifiers: ClinVar variation 3001291 (VCV003001291.3), dbSNP rs769561054, ClinGen allele CA6592416.

ClinVar aggregate classification (germline): Uncertain significance (1 of 4 stars; one submission).

Allele frequency attached by ClinVar (database versions not stated): gnomAD 0.00001; TOPMed 0.00001; ExAC 0.00003.

Submission:

Labcorp Genetics (formerly Invitae), Labcorp
Classification: Uncertain significance. Last evaluated: 2023-08-23. Review status: criteria provided, single submitter. Criteria: Invitae Variant Classification Sherloc (09022015). Collection method: clinical testing. Allele origin: germline.
Comment: In summary, the available evidence is currently insufficient to determine the role of this variant in disease. Therefore, it has been classified as a Variant of Uncertain Significance. An algorithm developed to predict the effect of missense changes on protein structure and function (PolyPhen-2) suggests that this variant is likely to be disruptive. This variant has not been reported in the literature in individuals affected with TNS2-related conditions. This variant is present in population databases (rs769561054, gnomAD 0.02%). This sequence change replaces arginine, which is basic and polar, with histidine, which is basic and polar, at codon 553 of the TNS2 protein (p.Arg553His).